The following is an entry in ClinVar:

NM_080425.4(GNAS):c.1072G>A (p.Ala358Thr)

Gene: GNAS (GNAS complex locus; plus strand). Cytogenetic location: 20q13.32.
Variant type: single nucleotide variant.
Coding change: c.1072G>A on transcript NM_080425.4 (MANE Plus Clinical); coding-DNA position 1072, G replaced by A.
Protein change: p.Ala358Thr; replaces alanine 358 with threonine.
Molecular consequence: missense variant. On other transcripts: synonymous variant (2), intron variant (3).
Genome position (GRCh38, 1-based): chr20:58,854,337, G>A. VCF-style: chr20-58854337-G-A. GRCh37 (hg19) VCF-style: chr20-57429392-G-A.
Other names: c.885G>A, p.Lys295= (NM_001077490.3, NM_001309883.1); c.1072G>A, p.Ala358Thr (NM_001410913.1); c.*42+13451G>A (NM_016592.5); c.43+13451G>A (NM_001410912.1); c.-39+12462G>A (NM_001309861.2); short protein forms A358T.
Identifiers: ClinVar variation 3369285 (VCV003369285.1).

ClinVar aggregate classification (germline): Uncertain significance (1 of 4 stars; one submission).

Submission:

GeneDx
Classification: Uncertain significance. Last evaluated: 2024-02-15. Review status: criteria provided, single submitter. Criteria: GeneDx Variant Classification Process June 2021. Collection method: clinical testing. Allele origin: germline. Affected: yes.
Comment: Not observed at significant frequency in large population cohorts (gnomAD); In silico analysis supports that this missense variant does not alter protein structure/function; In silico analysis is inconclusive as to whether the variant alters gene splicing. In the absence of RNA/functional studies, the actual effect of this sequence change is unknown.; Has not been previously published as pathogenic or benign to our knowledge